The following is an entry in ClinVar:

ClinVar aggregate classification (germline): Uncertain significance. Review status: criteria provided, multiple submitters, no conflicts (2 of 4 stars). 2 submissions from 2 submitters: Uncertain significance (2). Last evaluated 2025-05-12.

Conditions:
RYR1-related disorder. Also called: RYR1-related disorders; RYR1-related condition. Identifiers: MedGen CN239331.
Malignant hyperthermia, susceptibility to, 1 (MHS1). Also called: Anesthesia related hyperthermia; Malignant hyperpyrexia; Fulminating hyperpyrexia; Pharmacogenic myopathy; RYR1-Related Malignant Hyperthermia Susceptibility; Malignant hyperthermia suceptibility 1. Identifiers: Orphanet 423, MedGen C2930980, MONDO:0007783, OMIM 145600.

gnomAD v4.1: 1 of 1,613,974 alleles (0.000062%); highest among the groups gnomAD compares: African/African-American, 0.0013%; no homozygotes.

Submissions (2):

Labcorp Genetics (formerly Invitae), Labcorp
Classification: Uncertain significance for RYR1-related disorder. Last evaluated: 2025-05-12. Review status: criteria provided, single submitter. Criteria: Invitae Variant Classification Sherloc (09022015). Collection method: clinical testing. Allele origin: germline.
Comment: This sequence change replaces serine, which is neutral and polar, with phenylalanine, which is neutral and non-polar, at codon 604 of the RYR1 protein (p.Ser604Phe). This variant is not present in population databases (gnomAD no frequency). This variant has not been reported in the literature in individuals affected with RYR1-related conditions. ClinVar contains an entry for this variant (Variation ID: 3387658). Invitae Evidence Modeling of protein sequence and biophysical properties (such as structural, functional, and spatial information, amino acid conservation, physicochemical variation, residue mobility, and thermodynamic stability) indicates that this missense variant is expected to disrupt RYR1 protein function with a positive predictive value of 95%. In summary, the available evidence is currently insufficient to determine the role of this variant in disease. Therefore, it has been classified as a Variant of Uncertain Significance.

All of Us Research Program, National Institutes of Health
Classification: Uncertain significance for Malignant hyperthermia, susceptibility to, 1. Last evaluated: 2024-08-06. Review status: criteria provided, single submitter. Criteria: ACMG Guidelines, 2015. Collection method: clinical testing. Allele origin: germline. Inheritance: Autosomal dominant inheritance. Observed: 2 variant alleles, 2 heterozygotes.
Comment: This missense variant replaces serine with phenylalanine at codon 604 of the RYR1 protein. Computational prediction suggests that this variant may have deleterious impact on protein structure and function (internally defined REVEL score threshold >= 0.7, PMID: 27666373). To our knowledge, functional studies have not been reported for this variant. This variant has not been reported in individuals affected with RYR1-related disorders in the literature. This variant has not been identified in the general population by the Genome Aggregation Database (gnomAD). The available evidence is insufficient to determine the role of this variant in disease conclusively. Therefore, this variant is classified as a Variant of Uncertain Significance.

This study involves interpretation of variants in research participants for the purpose of population health screening. Participant phenotype was not available at the time of variant classification. Additional details can be found in publication PMID: 35346344, PMCID: PMC8962531

NM_000540.3(RYR1):c.1811C>T (p.Ser604Phe)

Gene: RYR1 (ryanodine receptor 1; plus strand). Cytogenetic location: 19q13.2.
Variant type: single nucleotide variant.
Coding change: c.1811C>T on transcript NM_000540.3 (MANE Select); coding-DNA position 1811, C replaced by T.
Protein change: p.Ser604Phe; replaces serine 604 with phenylalanine.
Molecular consequence: missense variant.
Genome position (GRCh38, 1-based): chr19:38,457,516, C>T. VCF-style: chr19-38457516-C-T. GRCh37 (hg19) VCF-style: chr19-38948156-C-T.
Other names: c.1811C>T, p.Ser604Phe (NM_001042723.2); short protein forms S604F.
Identifiers: ClinVar variation 3387658 (VCV003387658.2).